The following is an entry in ClinVar:

ClinVar aggregate classification (germline): Uncertain significance (1 of 4 stars; one submission).

gnomAD v4.1: 4 of 1,612,774 alleles (0.00025%); highest among the groups gnomAD compares: Non-Finnish European, 0.00034%; no homozygotes.

Submission:

Labcorp Genetics (formerly Invitae), Labcorp
Classification: Uncertain significance. Last evaluated: 2022-02-22. Review status: criteria provided, single submitter. Criteria: Invitae Variant Classification Sherloc (09022015). Collection method: clinical testing. Allele origin: germline.
Comment: In summary, the available evidence is currently insufficient to determine the role of this variant in disease. Therefore, it has been classified as a Variant of Uncertain Significance. Algorithms developed to predict the effect of missense changes on protein structure and function (SIFT, PolyPhen-2, Align-GVGD) all suggest that this variant is likely to be disruptive. This sequence change replaces arginine, which is basic and polar, with proline, which is neutral and non-polar, at codon 618 of the SYNPO protein (p.Arg618Pro). This variant has not been reported in the literature in individuals affected with SYNPO-related conditions. This variant is present in population databases (no rsID available, gnomAD 0.002%).

NM_007286.6(SYNPO):c.1853G>C (p.Arg618Pro)

Gene: SYNPO (synaptopodin; plus strand). Cytogenetic location: 5q33.1.
Variant type: single nucleotide variant.
Coding change: c.1853G>C on transcript NM_007286.6 (MANE Select); coding-DNA position 1853, G replaced by C.
Protein change: p.Arg618Pro; replaces arginine 618 with proline.
Molecular consequence: missense variant.
Genome position (GRCh38, 1-based): chr5:150,650,128, G>C. VCF-style: chr5-150650128-G-C. GRCh37 (hg19) VCF-style: chr5-150029690-G-C.
Other names: c.1853G>C, p.Arg618Pro (NM_001109974.3); c.2585G>C, p.Arg862Pro (NM_001166208.2, NM_001166209.2); short protein forms R618P, R862P.
Identifiers: ClinVar variation 2193409 (VCV002193409.4), dbSNP rs1206874482, ClinGen allele CA361784038.